The following is an entry in ClinVar:

ClinVar aggregate classification (germline): Uncertain significance. Review status: criteria provided, multiple submitters, no conflicts (2 of 4 stars). 2 submissions from 2 submitters: Uncertain significance (2). Last evaluated 2025-04-30.

Conditions:
Cardiovascular phenotype. Identifiers: MedGen CN230736.

Allele frequency attached by ClinVar (database versions not stated): TOPMed 0.00002; gnomAD 0.00001.
gnomAD v4.1: 17 of 1,487,012 alleles (0.0011%); highest among the groups gnomAD compares: Non-Finnish European, 0.0012%; no homozygotes.

Submissions (2):

Ambry Genetics
Classification: Uncertain significance for Cardiovascular phenotype. Last evaluated: 2025-04-30. Review status: criteria provided, single submitter. Criteria: Ambry Variant Classification Scheme 2023. Collection method: clinical testing. Allele origin: germline.
Comment: The p.S523L variant (also known as c.1568C>T), located in coding exon 4 of the JPH2 gene, results from a C to T substitution at nucleotide position 1568. The serine at codon 523 is replaced by leucine, an amino acid with dissimilar properties. This amino acid position is conserved. In addition, this alteration is predicted to be tolerated by in silico analysis. Based on the available evidence, the clinical significance of this variant remains unclear.

Stanford Center for Inherited Cardiovascular Disease, Stanford University
Classification: Uncertain significance. Last evaluated: 2016-03-31. Review status: criteria provided, single submitter. Criteria: ACMG Guidelines, 2015. Collection method: provider interpretation. Allele origin: germline.

NM_020433.5(JPH2):c.1568C>T (p.Ser523Leu)

Gene: JPH2 (junctophilin 2; minus strand). Cytogenetic location: 20q13.12.
Variant type: single nucleotide variant.
Coding change: c.1568C>T on transcript NM_020433.5 (MANE Select); coding-DNA position 1568, C replaced by T.
Protein change: p.Ser523Leu; replaces serine 523 with leucine.
Molecular consequence: missense variant.
Genome position (GRCh38, 1-based): chr20:44,116,107, G>A on the plus strand (C>T on the coding strand, the complement: JPH2 is on the minus strand). VCF-style: chr20-44116107-G-A. GRCh37 (hg19) VCF-style: chr20-42744747-G-A.
Other names: short protein forms S523L.
Identifiers: ClinVar variation 635244 (VCV000635244.4), dbSNP rs1378737709, ClinGen allele CA409100359.